The following is an entry in ClinVar:

ClinVar aggregate classification (germline): Uncertain significance (1 of 4 stars; one submission).

Conditions:
Infantile-onset X-linked spinal muscular atrophy. Also called: Spinal muscular atrophy, X-linked 2; AMC, DISTAL, X-LINKED; ARTHROGRYPOSIS, X-LINKED, TYPE I; Spinal Muscular Atrophy, X-Linked Infantile; SPINAL MUSCULAR ATROPHY, X-LINKED LETHAL INFANTILE. Identifiers: Orphanet 1145, MedGen C1844934, MONDO:0010532, OMIM 301830.

Allele frequency attached by ClinVar (database versions not stated): TOPMed below 0.00001; gnomAD 0.00001.
gnomAD v4.1: 1 of 1,210,364 alleles (0.000083%); highest among the groups gnomAD compares: Non-Finnish European, 0.00011%; no homozygotes.

Submission:

Labcorp Genetics (formerly Invitae), Labcorp
Classification: Uncertain significance for Infantile-onset X-linked spinal muscular atrophy. Last evaluated: 2017-11-08. Review status: criteria provided, single submitter. Criteria: Invitae Variant Classification Sherloc (09022015). Collection method: clinical testing. Allele origin: germline.
Comment: Algorithms developed to predict the effect of missense changes on protein structure and function do not agree on the potential impact of this missense change (SIFT: "Deleterious"; PolyPhen-2: "Possibly Damaging"; Align-GVGD: "Class C0"). In summary, the available evidence is currently insufficient to determine the role of this variant in disease. Therefore, it has been classified as a Variant of Uncertain Significance. This variant has not been reported in the literature in individuals with UBA1-related disease. This variant is not present in population databases (ExAC no frequency). This sequence change replaces glycine with glutamic acid at codon 245 of the UBA1 protein (p.Gly245Glu). The glycine residue is highly conserved and there is a moderate physicochemical difference between glycine and glutamic acid.

NM_003334.4(UBA1):c.734G>A (p.Gly245Glu)

Gene: UBA1 (ubiquitin like modifier activating enzyme 1; plus strand). Cytogenetic location: Xp11.3.
Variant type: single nucleotide variant.
Coding change: c.734G>A on transcript NM_003334.4 (MANE Select); coding-DNA position 734, G replaced by A.
Protein change: p.Gly245Glu; replaces glycine 245 with glutamic acid.
Molecular consequence: missense variant.
Genome position (GRCh38, 1-based): chrX:47,201,533, G>A. VCF-style: chrX-47201533-G-A. GRCh37 (hg19) VCF-style: chrX-47060932-G-A.
Other names: c.734G>A, p.Gly245Glu (NM_153280.3); short protein forms G245E.
Identifiers: ClinVar variation 533609 (VCV000533609.8), dbSNP rs1409013948, ClinGen allele CA412793613.
Genomic context (GRCh38, chrX:47,201,533, plus strand): 5'-ACCAGGACAACCCCGGTGTGGTTACCTGCCTGGATGAGGCCCGACACGGGTTTGAGAGCG[G>A]GGACTTTGTCTCCTTTTCAGAAGTACAGGGCATGGTTGAACTCAACGGAAATCAGCCCAT-3'
Protein context (NP_003325.2, residues 235-255): LDEARHGFES[Gly245Glu]DFVSFSEVQG